The following is an entry in ClinVar:

NM_017849.4(TMEM127):c.187C>G (p.Arg63Gly)

Gene: TMEM127 (transmembrane protein 127; minus strand). Cytogenetic location: 2q11.2.
Variant type: single nucleotide variant.
Coding change: c.187C>G on transcript NM_017849.4 (MANE Select); coding-DNA position 187, C replaced by G.
Protein change: p.Arg63Gly; replaces arginine 63 with glycine.
Molecular consequence: missense variant.
Genome position (GRCh38, 1-based): chr2:96,265,195, G>C on the plus strand (C>G on the coding strand, the complement: TMEM127 is on the minus strand). VCF-style: chr2-96265195-G-C. GRCh37 (hg19) VCF-style: chr2-96930933-G-C.
Other names: c.187C>G, p.Arg63Gly (NM_001193304.3); short protein forms R63G.
Identifiers: ClinVar variation 1781857 (VCV001781857.2), dbSNP rs1558756534, ClinGen allele CA347655939.

ClinVar aggregate classification (germline): Uncertain significance (1 of 4 stars; one submission).

Conditions:
Hereditary cancer-predisposing syndrome. Also called: Neoplastic Syndromes, Hereditary; Tumor predisposition; Hereditary Cancer Syndrome; Hereditary neoplastic syndrome. Identifiers: Orphanet 140162, MedGen C0027672, MeSH D009386, MONDO:0015356.

Submission:

Ambry Genetics
Classification: Uncertain significance for Hereditary cancer-predisposing syndrome. Last evaluated: 2022-03-16. Review status: criteria provided, single submitter. Criteria: Ambry Variant Classification Scheme 2023. Collection method: clinical testing. Allele origin: germline.
Comment: The p.R63G variant (also known as c.187C>G), located in coding exon 1 of the TMEM127 gene, results from a C to G substitution at nucleotide position 187. The arginine at codon 63 is replaced by glycine, an amino acid with dissimilar properties. This amino acid position is conserved. In addition, the in silico prediction for this alteration is inconclusive. Since supporting evidence is limited at this time, the clinical significance of this alteration remains unclear.